The following is an entry in ClinVar:

ClinVar aggregate classification (germline): Uncertain significance (1 of 4 stars; one submission).

Allele frequency attached by ClinVar (database versions not stated): gnomAD exomes below 0.00001; TOPMed 0.00001.
gnomAD v4.1: 3 of 1,613,036 alleles (0.00019%); highest among the groups gnomAD compares: Non-Finnish European, 0.00025%; no homozygotes.

Submission:

Greenwood Genetic Center Diagnostic Laboratories, Greenwood Genetic Center
Classification: Uncertain significance. Last evaluated: 2023-01-03. Review status: criteria provided, single submitter. Criteria: ACMG Guidelines, 2015. Collection method: clinical testing. Allele origin: germline. Affected: yes.
Comment: PM2

NM_003024.3(ITSN1):c.3660A>C (p.Gln1220His)

Gene: ITSN1 (intersectin 1; plus strand). Cytogenetic location: 21q22.11.
Variant type: single nucleotide variant.
Coding change: c.3660A>C on transcript NM_003024.3 (MANE Select); coding-DNA position 3660, A replaced by C.
Protein change: p.Gln1220His; replaces glutamine 1220 with histidine.
Molecular consequence: missense variant.
Genome position (GRCh38, 1-based): chr21:33,836,631, A>C. VCF-style: chr21-33836631-A-C. GRCh37 (hg19) VCF-style: chr21-35208935-A-C.
Other names: c.3660A>C, p.Gln1220His (NM_001001132.2); c.3447A>C, p.Gln1149His (NM_001331008.2); c.3645A>C, p.Gln1215His (NM_001331009.2, NM_001331010.2); c.3432A>C, p.Gln1144His (NM_001331011.2); c.3534A>C, p.Gln1178His (NM_001331012.2); short protein forms Q1144H, Q1149H, Q1178H, Q1215H, Q1220H.
Identifiers: ClinVar variation 2505240 (VCV002505240.1), dbSNP rs2074617867, ClinGen allele CA410130164.